The following is an entry in ClinVar:

NM_021075.4(NDUFV3):c.*4C>G

Gene: NDUFV3 (NADH:ubiquinone oxidoreductase subunit V3; plus strand). Cytogenetic location: 21q22.3.
Variant type: single nucleotide variant.
Coding change: c.*4C>G on transcript NM_021075.4 (MANE Select); 4 bases downstream of the stop codon, C replaced by G.
Molecular consequence: 3 prime UTR variant.
Genome position (GRCh38, 1-based): chr21:42,909,025, C>G. VCF-style: chr21-42909025-C-G. GRCh37 (hg19) VCF-style: chr21-44329135-C-G.
Other names: c.*4C>G (NM_001001503.2).
Identifiers: ClinVar variation 3034947 (VCV003034947.2), dbSNP rs751542071, ClinGen allele CA10046772.

ClinVar aggregate classification (germline): Likely benign (0 of 4 stars; one submission).

Conditions:
NDUFV3-related disorder. Also called: NDUFV3-related condition.

Allele frequency attached by ClinVar (database versions not stated): gnomAD exomes below 0.00001; ExAC 0.00002.

Submission:

PreventionGenetics, part of Exact Sciences
Classification: Likely benign for NDUFV3-related condition. Last evaluated: 2019-07-30. Review status: no assertion criteria provided. Collection method: clinical testing. Allele origin: germline.
Comment: This variant is classified as likely benign based on ACMG/AMP sequence variant interpretation guidelines (Richards et al. 2015 PMID: 25741868, with internal and published modifications).